The following is an entry in ClinVar:

NM_014780.5(CUL7):c.1484G>A (p.Trp495Ter)

Gene: CUL7 (cullin 7; minus strand). Cytogenetic location: 6p21.1.
Variant type: single nucleotide variant.
Coding change: c.1484G>A on transcript NM_014780.5 (MANE Select); coding-DNA position 1484, G replaced by A.
Protein change: p.Trp495Ter; replaces tryptophan 495 with a stop codon.
Molecular consequence: nonsense.
Genome position (GRCh38, 1-based): chr6:43,050,048, C>T on the plus strand (G>A on the coding strand, the complement: CUL7 is on the minus strand). VCF-style: chr6-43050048-C-T. GRCh37 (hg19) VCF-style: chr6-43017786-C-T.
Other names: c.1580G>A, p.Trp527Ter (NM_001168370.2, NM_001374872.1); c.1484G>A, p.Trp495Ter (NM_001374873.1, NM_001374874.1); short protein forms W495*, W527*.
Identifiers: ClinVar variation 1455666 (VCV001455666.6), dbSNP rs2150332568, ClinGen allele CA364223530.
Genomic context (GRCh38, chr6:43,050,048, plus strand): 5'-ATCTGGAGAACCTCCTGATGGTCAGGTCCATCCAGCTTCTTGATGAAGAAGAGGAGTTCC[C>T]ACCACTCAGCCAGGGTCAGGTGTTCACACTCCTCAGTGTCCTCATCCTCAGGCAGCACAT-3'

ClinVar aggregate classification (germline): Pathogenic (1 of 4 stars; one submission).

Submission:

Labcorp Genetics (formerly Invitae), Labcorp
Classification: Pathogenic. Last evaluated: 2021-12-25. Review status: criteria provided, single submitter. Criteria: Invitae Variant Classification Sherloc (09022015). Collection method: clinical testing. Allele origin: germline.
Comment: For these reasons, this variant has been classified as Pathogenic. This variant has not been reported in the literature in individuals affected with CUL7-related conditions. This variant is not present in population databases (gnomAD no frequency). This sequence change creates a premature translational stop signal (p.Trp495*) in the CUL7 gene. It is expected to result in an absent or disrupted protein product. Loss-of-function variants in CUL7 are known to be pathogenic (PMID: 16142236, 17675530, 19225462).

Literature cited by the submitters: PubMed 16142236; PubMed 17675530; PubMed 19225462.